The following is an entry in ClinVar:

NM_145068.4(TRPV3):c.1190C>T (p.Thr397Ile)

Gene: TRPV3 (transient receptor potential cation channel subfamily V member 3; minus strand). Cytogenetic location: 17p13.2.
Variant type: single nucleotide variant.
Coding change: c.1190C>T on transcript NM_145068.4 (MANE Select); coding-DNA position 1190, C replaced by T.
Protein change: p.Thr397Ile; replaces threonine 397 with isoleucine.
Molecular consequence: missense variant.
Genome position (GRCh38, 1-based): chr17:3,530,079, G>A on the plus strand (C>T on the coding strand, the complement: TRPV3 is on the minus strand). VCF-style: chr17-3530079-G-A. GRCh37 (hg19) VCF-style: chr17-3433373-G-A.
Other names: c.1190C>T, p.Thr397Ile (NM_001258205.2); c.1190C>T (NM_145068.2); short protein forms T397I.
Identifiers: ClinVar variation 2959286 (VCV002959286.4), dbSNP rs758439917, ClinGen allele CA287007338.

ClinVar aggregate classification (germline): Uncertain significance. Review status: criteria provided, multiple submitters, no conflicts (2 of 4 stars). 2 submissions from 2 submitters: Uncertain significance (2). Last evaluated 2025-06-07.

Conditions:
Inborn genetic diseases. Identifiers: MedGen C0950123, MeSH D030342.

Allele frequency attached by ClinVar (database versions not stated): TOPMed below 0.00001; gnomAD 0.00001; gnomAD exomes 0.00002.
gnomAD v4.1: 31 of 1,613,976 alleles (0.0019%); highest among the groups gnomAD compares: East Asian, 0.0089%; no homozygotes.

Submissions (2):

Ambry Genetics
Classification: Uncertain significance for Inborn genetic diseases. Last evaluated: 2025-06-07. Review status: criteria provided, single submitter. Criteria: Ambry Variant Classification Scheme 2023. Collection method: clinical testing. Allele origin: germline.

Labcorp Genetics (formerly Invitae), Labcorp
Classification: Uncertain significance. Last evaluated: 2022-11-28. Review status: criteria provided, single submitter. Criteria: Invitae Variant Classification Sherloc (09022015). Collection method: clinical testing. Allele origin: germline.
Comment: This sequence change replaces threonine, which is neutral and polar, with isoleucine, which is neutral and non-polar, at codon 397 of the TRPV3 protein (p.Thr397Ile). In summary, the available evidence is currently insufficient to determine the role of this variant in disease. Therefore, it has been classified as a Variant of Uncertain Significance. Algorithms developed to predict the effect of missense changes on protein structure and function are either unavailable or do not agree on the potential impact of this missense change (SIFT: "Deleterious"; PolyPhen-2: "Possibly Damaging"; Align-GVGD: "Class C0"). This missense change has been observed in at least one individual who was not affected with TRPV3-related conditions (Invitae). This variant has not been reported in the literature in individuals affected with TRPV3-related conditions. This variant is present in population databases (rs758439917, gnomAD 0.0009%).